The following is an entry in ClinVar:

NM_007272.3(CTRC):c.401G>C (p.Ser134Thr)

Gene: CTRC (chymotrypsin C; plus strand). Cytogenetic location: 1p36.21.
Variant type: single nucleotide variant.
Coding change: c.401G>C on transcript NM_007272.3 (MANE Select); coding-DNA position 401, G replaced by C.
Protein change: p.Ser134Thr; replaces serine 134 with threonine.
Molecular consequence: missense variant.
Genome position (GRCh38, 1-based): chr1:15,443,463, G>C. VCF-style: chr1-15443463-G-C. GRCh37 (hg19) VCF-style: chr1-15769958-G-C.
Other names: short protein forms S134T.
Identifiers: ClinVar variation 4869517 (VCV004869517.1).
Genomic context (GRCh38, chr1:15,443,463, plus strand): 5'-CCACTTTGGATTCCAGCAATGATATTGCCCTCATCAAGCTTGCAGAGCATGTGGAGCTGA[G>C]TGACACCATCCAGGTGGCCTGCCTGCCAGAGAAGGACTCCCTGCTCCCCAAGGACTACCC-3'
Protein context (NP_009203.2, residues 124-144): LIKLAEHVEL[Ser134Thr]DTIQVACLPE

ClinVar aggregate classification (germline): Uncertain significance (1 of 4 stars; one submission).

Conditions:
Hereditary pancreatitis (PCTT). Also called: Hereditary chronic pancreatitis; PRSS1-Related Hereditary Pancreatitis. Identifiers: Orphanet 676, MedGen C0238339, MONDO:0008185, OMIM 167800.

Submission:

Ambry Genetics
Classification: Uncertain significance for Hereditary pancreatitis. Last evaluated: 2026-03-23. Review status: criteria provided, single submitter. Criteria: Ambry Variant Classification Scheme 2023. Collection method: clinical testing. Allele origin: germline.
Comment: The p.S134T variant (also known as c.401G>C), located in coding exon 5 of the CTRC gene, results from a G to C substitution at nucleotide position 401. The serine at codon 134 is replaced by threonine, an amino acid with similar properties. This amino acid position is conserved. In addition, the in silico prediction for this alteration is inconclusive. Based on the available evidence, the clinical significance of this variant remains unclear.